The following is an entry in ClinVar:

ClinVar aggregate classification (germline): Uncertain significance (1 of 4 stars; one submission).

Conditions:
Inborn genetic diseases. Identifiers: MedGen C0950123, MeSH D030342.

Submission:

Ambry Genetics
Classification: Uncertain significance for Inborn genetic diseases. Last evaluated: 2026-01-20. Review status: criteria provided, single submitter. Criteria: Ambry Variant Classification Scheme 2023. Collection method: clinical testing. Allele origin: germline.
Comment: The p.G656E variant (also known as c.1967G>A), located in coding exon 8 of the MECOM gene, results from a G to A substitution at nucleotide position 1967. The glycine at codon 656 is replaced by glutamic acid, an amino acid with similar properties. This amino acid position is conserved. In addition, the in silico prediction for this alteration is inconclusive. Based on the available evidence, the clinical significance of this variant remains unclear.

NM_004991.4(MECOM):c.1967G>A (p.Gly656Glu)

Gene: MECOM (MDS1 and EVI1 complex locus; minus strand). Cytogenetic location: 3q26.2.
Variant type: single nucleotide variant.
Coding change: c.1967G>A on transcript NM_004991.4 (MANE Select); coding-DNA position 1967, G replaced by A.
Protein change: p.Gly656Glu; replaces glycine 656 with glutamic acid.
Molecular consequence: missense variant. On other transcripts: intron variant (2).
Genome position (GRCh38, 1-based): chr3:169,115,905, C>T on the plus strand (G>A on the coding strand, the complement: MECOM is on the minus strand). VCF-style: chr3-169115905-C-T. GRCh37 (hg19) VCF-style: chr3-168833693-C-T.
Other names: c.1598G>A, p.Gly533Glu (NM_001105077.4); c.1403G>A, p.Gly468Glu (NM_001105078.4, NM_001164000.2, NM_001205194.2 and 4 more transcripts); c.1406G>A, p.Gly469Glu (NM_001163999.2, NM_001366467.2, NM_001366468.2 and 1 more transcripts); c.1967G>A, p.Gly656Glu (NM_001366466.2); c.1133-138G>A (NM_001366473.2); c.569-138G>A (NM_001366474.2); short protein forms G533E, G468E, G656E, G469E.
Identifiers: ClinVar variation 4824294 (VCV004824294.1).